The following is an entry in ClinVar:

NM_006892.4(DNMT3B):c.1328C>T (p.Pro443Leu)

Gene: DNMT3B (DNA methyltransferase 3 beta; plus strand). Cytogenetic location: 20q11.21.
Variant type: single nucleotide variant.
Coding change: c.1328C>T on transcript NM_006892.4 (MANE Select); coding-DNA position 1328, C replaced by T.
Protein change: p.Pro443Leu; replaces proline 443 with leucine.
Molecular consequence: missense variant.
Genome position (GRCh38, 1-based): chr20:32,796,820, C>T. VCF-style: chr20-32796820-C-T. GRCh37 (hg19) VCF-style: chr20-31384626-C-T.
Other names: c.1328C>T (NM_006892.3); c.1142C>T, p.Pro381Leu (NM_001207055.2); c.1040C>T, p.Pro347Leu (NM_001207056.2); c.1268C>T, p.Pro423Leu (NM_175848.2, NM_175849.2); c.1304C>T, p.Pro435Leu (NM_175850.3); short protein forms P347L, P435L, P381L, P423L, P443L.
Identifiers: ClinVar variation 1362931 (VCV001362931.6), dbSNP rs530689863, ClinGen allele CA313153313.

ClinVar aggregate classification (germline): Uncertain significance. Review status: criteria provided, multiple submitters, no conflicts (2 of 4 stars). 2 submissions from 2 submitters: Uncertain significance (2). Last evaluated 2025-02-07.

Conditions:
Inborn genetic diseases. Identifiers: MedGen C0950123, MeSH D030342.
Centromeric instability of chromosomes 1,9 and 16 and immunodeficiency (ICF1). Also called: IMMUNE DEFICIENCY, VARIABLE, WITH CENTROMERIC INSTABILITY OF CHROMOSOMES 1, 9, AND 16; IMMUNODEFICIENCY SYNDROME, VARIABLE; Immunodeficiency-centromeric instability-facial anomalies; CENTROMERIC INSTABILITY, IMMUNODEFICIENCY SYNDROME. Identifiers: Orphanet 2268, MedGen C0398788, MONDO:0000133.

Allele frequency attached by ClinVar (database versions not stated): gnomAD exomes 0.00001; TOPMed 0.00001; gnomAD 0.00002; 1000 Genomes Project 30x 0.00016; 1000 Genomes Project 0.00020.
gnomAD v4.1: 10 of 1,614,192 alleles (0.00062%); highest among the groups gnomAD compares: East Asian, 0.0089%; 1 homozygote.

Submissions (2):

Ambry Genetics
Classification: Uncertain significance for Inborn genetic diseases. Last evaluated: 2025-02-07. Review status: criteria provided, single submitter. Criteria: Ambry Variant Classification Scheme 2023. Collection method: clinical testing. Allele origin: germline.

Labcorp Genetics (formerly Invitae), Labcorp
Classification: Uncertain significance for Centromeric instability of chromosomes 1,9 and 16 and immunodeficiency. Last evaluated: 2021-08-24. Review status: criteria provided, single submitter. Criteria: Invitae Variant Classification Sherloc (09022015). Collection method: clinical testing. Allele origin: germline.
Comment: This sequence change replaces proline with leucine at codon 443 of the DNMT3B protein (p.Pro443Leu). The proline residue is highly conserved and there is a moderate physicochemical difference between proline and leucine. This variant is not present in population databases (ExAC no frequency). This variant has not been reported in the literature in individuals affected with DNMT3B-related conditions. Algorithms developed to predict the effect of missense changes on protein structure and function are either unavailable or do not agree on the potential impact of this missense change (SIFT: "Deleterious"; PolyPhen-2: "Benign"; Align-GVGD: "Class C15"). In summary, the available evidence is currently insufficient to determine the role of this variant in disease. Therefore, it has been classified as a Variant of Uncertain Significance.